The following is an entry in ClinVar:

ClinVar aggregate classification (germline): Uncertain significance (1 of 4 stars; one submission).

Submission:

Ambry Genetics
Classification: Uncertain significance. Last evaluated: 2025-04-03. Review status: criteria provided, single submitter. Criteria: Ambry Variant Classification Scheme 2023. Collection method: clinical testing. Allele origin: germline.
Comment: The p.I311V variant (also known as c.931A>G), located in coding exon 7 of the ATRIP gene, results from an A to G substitution at nucleotide position 931. The isoleucine at codon 311 is replaced by valine, an amino acid with highly similar properties. This amino acid position is conserved. In addition, this alteration is predicted to be tolerated by in silico analysis. Based on the available evidence, the clinical significance of this variant remains unclear.

NM_130384.3(ATRIP):c.931A>G (p.Ile311Val)

Genes: ATRIP (ATR interacting protein; plus strand), ATRIP-TREX1 (ATRIP-TREX1 readthrough; plus strand). Cytogenetic location: 3p21.31.
Variant type: single nucleotide variant.
Coding change: c.931A>G on transcript NM_130384.3 (MANE Select); coding-DNA position 931, A replaced by G.
Protein change: p.Ile311Val; replaces isoleucine 311 with valine.
Molecular consequence: missense variant. On other transcripts: non-coding transcript variant (1).
Genome position (GRCh38, 1-based): chr3:48,459,792, A>G. VCF-style: chr3-48459792-A-G. GRCh37 (hg19) VCF-style: chr3-48501191-A-G.
Other names: c.550A>G, p.Ile184Val (NM_001271022.2); c.652A>G, p.Ile218Val (NM_001271023.2); c.931A>G, p.Ile311Val (NM_032166.4); short protein forms I218V, I184V, I311V.
Identifiers: ClinVar variation 3975945 (VCV003975945.1).